The following is an entry in ClinVar:

ClinVar aggregate classification (germline): Likely benign. Review status: criteria provided, multiple submitters, no conflicts (2 of 4 stars). 3 submissions from 3 submitters: Likely benign (2). 1 of the submissions does not count toward it. Last evaluated 2026-05-01.

Conditions:
MHC class II deficiency. Also called: Bare lymphocyte syndrome 2; BLS, TYPE II. Identifiers: Orphanet 572, MedGen C5447452, MONDO:0008855.

Allele frequency attached by ClinVar (database versions not stated): gnomAD exomes 0.00004; ExAC 0.00005; TOPMed 0.00006; gnomAD 0.00007 and 0.00008.
gnomAD v4.1: 124 of 1,613,396 alleles (0.0077%); highest among the groups gnomAD compares: Non-Finnish European, 0.0097%; no homozygotes.

Submissions (3):

CeGaT Center for Human Genetics Tuebingen
Classification: Likely benign. Last evaluated: 2026-05-01. Review status: criteria provided, single submitter. Criteria: CeGaT Center For Human Genetics Tuebingen Variant Classification Criteria Version 2. Collection method: clinical testing. Allele origin: germline. Affected: yes. Observed: 1 variant allele.
Comment: CIITA: BP4, BP7

Labcorp Genetics (formerly Invitae), Labcorp
Classification: Likely benign for MHC class II deficiency. Last evaluated: 2026-01-28. Review status: criteria provided, single submitter. Criteria: Invitae Variant Classification Sherloc (09022015). Collection method: clinical testing. Allele origin: germline.

Natera, Inc.
Classification: Likely benign for Bare lymphocyte syndrome type II. Last evaluated: 2020-11-15. Review status: no assertion criteria provided. Collection method: clinical testing. Allele origin: germline. Not counted in ClinVar's aggregate classification.

NM_000246.4(CIITA):c.3015G>A (p.Ser1005=)

Gene: CIITA (class II major histocompatibility complex transactivator; plus strand). Cytogenetic location: 16p13.13.
Variant type: single nucleotide variant.
Coding change: c.3015G>A on transcript NM_000246.4 (MANE Select); coding-DNA position 3015, G replaced by A.
Protein change: p.Ser1005=; no amino-acid change (serine 1005 retained).
Molecular consequence: synonymous variant. On other transcripts: non-coding transcript variant (1).
Genome position (GRCh38, 1-based): chr16:10,916,412, G>A. VCF-style: chr16-10916412-G-A. GRCh37 (hg19) VCF-style: chr16-11010269-G-A.
Other names: c.3018G>A, p.Ser1006= (NM_001286402.1, NM_001379332.1); c.1263G>A, p.Ser421= (NM_001286403.2); c.2871G>A, p.Ser957= (NM_001379330.1); c.2868G>A, p.Ser956= (NM_001379331.1); c.3015G>A, p.Ser1005= (NM_001379333.1); c.2946G>A, p.Ser982= (NM_001379334.1).
Identifiers: ClinVar variation 750209 (VCV000750209.13), dbSNP rs764664500, ClinGen allele CA7900624.